The following is an entry in ClinVar:

ClinVar aggregate classification (germline): Benign. Review status: criteria provided, multiple submitters, no conflicts (2 of 4 stars). 8 submissions from 8 submitters: Benign (8). Last evaluated 2026-01-31.

Conditions:
Nephrotic syndrome, type 3 (NPHS3). Also called: NEPHROTIC SYNDROME, EARLY-ONSET, TYPE 3. Identifiers: Orphanet 656, MedGen C1853124, MONDO:0012546, OMIM 610725.

Allele frequency attached by ClinVar (database versions not stated): 1000 Genomes Project 0.10683; 1000 Genomes Project 30x 0.11087; TOPMed 0.12944; ESP Exome Variant Server 0.13544; gnomAD 0.13716 and 0.13792; ExAC 0.13721; gnomAD exomes 0.13747 and 0.15319.
gnomAD v4.1: 244,885 of 1,613,190 alleles (15%); highest among the groups gnomAD compares: Middle Eastern, 23%; 19,905 homozygotes.

Submissions (8):

Labcorp Genetics (formerly Invitae), Labcorp
Classification: Benign. Last evaluated: 2026-01-31. Review status: criteria provided, single submitter. Criteria: Invitae Variant Classification Sherloc (09022015). Collection method: clinical testing. Allele origin: germline.

Blueprint Genetics
Classification: Benign. Last evaluated: 2024-11-27. Review status: criteria provided, single submitter. Criteria: ACMG Guidelines, 2015. Collection method: clinical testing. Allele origin: germline.

Unidad de Genómica Garrahan, Hospital de Pediatría Garrahan
Classification: Benign. Last evaluated: 2024-07-15. Review status: criteria provided, single submitter. Criteria: ACMG Guidelines, 2015. Collection method: clinical testing. Allele origin: germline. Affected: no. Observed: 19 variant alleles.
Comment: This variant is classified as Benign based on local population frequency. This variant was detected in 20% of patients studied in a panel designed for Epileptic and Developmental Encephalopathy and Progressive Myoclonus Epilepsy. Number of patients: 19. Only high quality variants are reported.

Mayo Clinic Laboratories, Mayo Clinic
Classification: Benign. Last evaluated: 2022-03-09. Review status: criteria provided, single submitter. Criteria: ACMG Guidelines, 2015. Collection method: clinical testing. Allele origin: germline. Observed: 28 variant alleles.

GeneDx
Classification: Benign. Last evaluated: 2018-11-12. Review status: criteria provided, single submitter. Criteria: GeneDx Variant Classification Process June 2021. Collection method: clinical testing. Allele origin: germline. Affected: yes.

Illumina Laboratory Services, Illumina
Classification: Benign for Nephrotic syndrome, type 3. Last evaluated: 2018-01-12. Review status: criteria provided, single submitter. Criteria: ICSL Variant Classification Criteria 13 December 2019. Collection method: clinical testing. Allele origin: germline.
Comment: This variant was observed in the ICSL laboratory as part of a predisposition screen in an ostensibly healthy population. It had not been previously curated by ICSL or reported in the Human Gene Mutation Database (HGMD: prior to June 1st, 2018), and was therefore a candidate for classification through an automated scoring system. Utilizing variant allele frequency, disease prevalence and penetrance estimates, and inheritance mode, an automated score was calculated to assess if this variant is too frequent to cause the disease. Based on the score and internal cut-off values, a variant classified as benign is not then subjected to further curation. The score for this variant resulted in a classification of benign for this disease.

Breakthrough Genomics
Classification: Benign. Review status: criteria provided, single submitter. Criteria: ACMG Guidelines, 2015. Collection method: not provided. Allele origin: germline. Inheritance: Autosomal recessive inheritance. Affected: yes.

PreventionGenetics, part of Exact Sciences
Classification: Benign. Review status: criteria provided, single submitter. Criteria: ACMG Guidelines, 2015. Collection method: clinical testing. Allele origin: germline.

NM_016341.4(PLCE1):c.5458+7G>A

Gene: PLCE1 (phospholipase C epsilon 1; plus strand). Cytogenetic location: 10q23.33.
Variant type: single nucleotide variant.
Coding change: c.5458+7G>A on transcript NM_016341.4 (MANE Select); 7 bases into the intron after coding-DNA position 5458, G replaced by A.
Molecular consequence: intron variant.
Genome position (GRCh38, 1-based): chr10:94,298,676, G>A. VCF-style: chr10-94298676-G-A. GRCh37 (hg19) VCF-style: chr10-96058433-G-A.
Other names: p.?; c.5410+7G>A (NM_001288989.2); c.4534+7G>A (NM_001165979.2).
Identifiers: ClinVar variation 260725 (VCV000260725.20), dbSNP rs17516758, ClinGen allele CA5613359.